The following is an entry in ClinVar:

NM_005401.5(PTPN14):c.3161C>T (p.Thr1054Met)

Gene: PTPN14 (protein tyrosine phosphatase non-receptor type 14; minus strand). Cytogenetic location: 1q32.3.
Variant type: single nucleotide variant.
Coding change: c.3161C>T on transcript NM_005401.5 (MANE Select); coding-DNA position 3161, C replaced by T.
Protein change: p.Thr1054Met; replaces threonine 1054 with methionine.
Molecular consequence: missense variant.
Genome position (GRCh38, 1-based): chr1:214,369,567, G>A on the plus strand (C>T on the coding strand, the complement: PTPN14 is on the minus strand). VCF-style: chr1-214369567-G-A. GRCh37 (hg19) VCF-style: chr1-214542910-G-A.
Other names: short protein forms T1054M.
Identifiers: ClinVar variation 4974679 (VCV004974679.1).
Genomic context (GRCh38, chr1:214,369,567, plus strand): 5'-TATTGTAAATGCCACACCGTCCTTTCTTGCCCAGACAAAAGGTGCTTGACCTTCAAGCCC[G>A]TGGTTGCATAGCAAACAGAATCCGTTCGAAACTTCGTGGTGACCTTGAACTTGCCATAGG-3'
Protein context (NP_005392.2, residues 1044-1064): FRTDSVCYAT[Thr1054Met]GLKVKHLLSG

ClinVar aggregate classification (germline): Uncertain significance (1 of 4 stars; one submission).

Conditions:
Lymphedema-posterior choanal atresia syndrome. Identifiers: Orphanet 99141, MedGen C3150875, MONDO:0013324, OMIM 613611.

gnomAD v4.1: 95 of 1,614,160 alleles (0.0059%); highest among the groups gnomAD compares: East Asian, 0.0067%; 1 homozygote.

Submission:

Clinical Genomics Laboratory, Washington University in St. Louis
Classification: Uncertain significance for Lymphedema-posterior choanal atresia syndrome. Last evaluated: 2025-11-14. Review status: criteria provided, single submitter. Criteria: ACMG Guidelines, 2015. Collection method: clinical testing. Allele origin: germline.
Comment: A PTPN14 c.3161C>T (p.Thr1054Met) variant was identified at a near-heterozygous allelic fraction of 48.2%, a frequency that may be consistent with it being of germline origin. This variant, to our knowledge, has not been reported in the medical literature or the ClinVar database. This variant is observed on 95/1,614,160 alleles in the general population (gnomAD v4.1.0), including one homozygote. Due to limited information, and based on ACMG/AMP guidelines for variant interpretation (Richards S et al., PMID: 25741868), the clinical significance of this variant is uncertain at this time.